The following is an entry in ClinVar:

ClinVar aggregate classification (germline): Uncertain significance (0 of 4 stars; one submission).

Conditions:
HDAC8-related disorder. Also called: HDAC8-related condition.

Submission:

PreventionGenetics, part of Exact Sciences
Classification: Uncertain significance for HDAC8-related condition. Last evaluated: 2023-12-19. Review status: no assertion criteria provided. Collection method: clinical testing. Allele origin: germline.
Comment: The HDAC8 c.448G>C variant is predicted to result in the amino acid substitution p.Val150Leu. To our knowledge, this variant has not been reported in the literature or in a large population database, indicating this variant is rare. At this time, the clinical significance of this variant is uncertain due to the absence of conclusive functional and genetic evidence.

NM_018486.3(HDAC8):c.437+103G>C

Gene: HDAC8 (histone deacetylase 8; minus strand). Cytogenetic location: Xq13.1.
Variant type: single nucleotide variant.
Coding change: c.437+103G>C on transcript NM_018486.3 (MANE Select); 103 bases into the intron after coding-DNA position 437, G replaced by C.
Molecular consequence: intron variant. On other transcripts: 3 prime UTR variant (1), missense variant (1).
Genome position (GRCh38, 1-based): chrX:72,567,786, C>G on the plus strand (G>C on the coding strand, the complement: HDAC8 is on the minus strand). VCF-style: chrX-72567786-C-G. GRCh37 (hg19) VCF-style: chrX-71787636-C-G.
Other names: c.*99G>C (NM_001166420.2); c.448G>C, p.Val150Leu (NM_001166422.2); c.164+4271G>C (NM_001166418.2, NM_001410728.1, NM_001166448.2); c.437+103G>C (NM_001410727.1, NM_001410725.1, NM_001410729.1 and 2 more transcripts); short protein forms V150L.
Identifiers: ClinVar variation 3048848 (VCV003048848.2), dbSNP rs782742792, ClinGen allele CA413573552.